The following is an entry in ClinVar:

ClinVar aggregate classification (germline): Pathogenic (1 of 4 stars; one submission).

Conditions:
Developmental and epileptic encephalopathy. Identifiers: MedGen C5779964, MONDO:0100620.

Submission:

Labcorp Genetics (formerly Invitae), Labcorp
Classification: Pathogenic for Early infantile epileptic encephalopathy with suppression bursts. Last evaluated: 2019-07-11. Review status: criteria provided, single submitter. Criteria: Invitae Variant Classification Sherloc (09022015). Collection method: clinical testing. Allele origin: germline.
Comment: This variant is an out-of-frame deletion of the genomic region encompassing exons 2-7 of the KCNQ2 gene. This is expected to create a premature translational stop signal and result in an absent or disrupted protein product. This variant has not been reported in the literature in individuals with KCNQ2-related conditions. Loss-of-function variants in KCNQ2 are known to be pathogenic (PMID: 14534157, 23692823, 27779742). For these reasons, this variant has been classified as Pathogenic.

NC_000020.11:g.(?_63438605)_(63446857_?)del

Gene: KCNQ2 (potassium voltage-gated channel subfamily Q member 2; minus strand). Cytogenetic location: 20q13.33.
Variant type: Deletion.
Identifiers: ClinVar variation 833088 (VCV000833088.2).